The following is an entry in ClinVar:

ClinVar aggregate classification (germline): Uncertain significance (1 of 4 stars; one submission).

Conditions:
Idiopathic generalized epilepsy. Also called: Generalised epilepsy; EIG. Identifiers: MedGen C0270850, MONDO:0005579, OMIM 600669.
Epilepsy, idiopathic generalized, susceptibility to, 13. Also called: EPILEPSY, JUVENILE MYOCLONIC, SUSCEPTIBILITY TO, 5. Identifiers: Orphanet 307, Orphanet 64280, MedGen C4013473, MONDO:0012627, OMIM 611136.
Epilepsy, childhood absence 4 (ECA4). Also called: EPILEPSY, CHILDHOOD ABSENCE, SUSCEPTIBILITY TO, 4. Identifiers: Orphanet 307, MedGen C1970160.

gnomAD v4.1: 1 of 1,614,066 alleles (0.000062%); highest among the groups gnomAD compares: Non-Finnish European, 0.000085%; no homozygotes.

Submission:

Labcorp Genetics (formerly Invitae), Labcorp
Classification: Uncertain significance for Epilepsy, childhood absence 4; Epilepsy, idiopathic generalized, susceptibility to, 13; Idiopathic generalized epilepsy. Last evaluated: 2026-01-21. Review status: criteria provided, single submitter. Criteria: Invitae Variant Classification Sherloc (09022015). Collection method: clinical testing. Allele origin: germline.
Comment: This sequence change replaces alanine, which is neutral and non-polar, with valine, which is neutral and non-polar, at codon 380 of the GABRA1 protein (p.Ala380Val). This variant is not present in population databases (gnomAD no frequency). This variant has not been reported in the literature in individuals affected with GABRA1-related conditions. ClinVar contains an entry for this variant (Variation ID: 3753873). Invitae Evidence Modeling of protein sequence and biophysical properties (such as structural, functional, and spatial information, amino acid conservation, physicochemical variation, residue mobility, and thermodynamic stability) has been performed for this missense variant. However, the output from this modeling did not meet the statistical confidence thresholds required to predict the impact of this variant on GABRA1 protein function. In summary, the available evidence is currently insufficient to determine the role of this variant in disease. Therefore, it has been classified as a Variant of Uncertain Significance.

NM_001127644.2(GABRA1):c.1139C>T (p.Ala380Val)

Gene: GABRA1 (gamma-aminobutyric acid type A receptor subunit alpha1; plus strand). Cytogenetic location: 5q34.
Variant type: single nucleotide variant.
Coding change: c.1139C>T on transcript NM_001127644.2 (MANE Select); coding-DNA position 1139, C replaced by T.
Protein change: p.Ala380Val; replaces alanine 380 with valine.
Molecular consequence: missense variant.
Genome position (GRCh38, 1-based): chr5:161,897,190, C>T. VCF-style: chr5-161897190-C-T. GRCh37 (hg19) VCF-style: chr5-161324196-C-T.
Other names: c.1139C>T, p.Ala380Val (NM_000806.5, NM_001127643.2, NM_001127645.2 and 1 more transcripts); short protein forms A380V.
Identifiers: ClinVar variation 3753873 (VCV003753873.2).